The following is an entry in ClinVar:

NM_002528.7(NTHL1):c.908_909delinsAA (p.Gly303Glu)

Gene: NTHL1 (nth like DNA glycosylase 1; minus strand). Cytogenetic location: 16p13.3.
Variant type: Indel.
Coding change: c.908_909delinsAA on transcript NM_002528.7 (MANE Select); coding-DNA positions 908 to 909, GT replaced by AA.
Protein change: p.Gly303Glu; replaces glycine 303 with glutamic acid.
Molecular consequence: missense variant.
Genome position (GRCh38, 1-based): chr16:2,039,930-2,039,931, AC replaced by TT on the plus strand (GT replaced by AA on the coding strand, the reverse complement: NTHL1 is on the minus strand). VCF-style: chr16-2039930-AC-TT. GRCh37 (hg19) VCF-style: chr16-2089931-AC-TT.
Other names: c.737_738delinsAA, p.Gly246Glu (NM_001318193.2); c.578_579delinsAA, p.Gly193Glu (NM_001318194.2); short protein forms G193E, G246E, G303E.
Identifiers: ClinVar variation 1008141 (VCV001008141.7), dbSNP rs2084235765, ClinGen allele CA2202013438.

ClinVar aggregate classification (germline): Uncertain significance (1 of 4 stars; one submission).

Submission:

Labcorp Genetics (formerly Invitae), Labcorp
Classification: Uncertain significance. Last evaluated: 2020-02-25. Review status: criteria provided, single submitter. Criteria: Invitae Variant Classification Sherloc (09022015). Collection method: clinical testing. Allele origin: germline.
Comment: This sequence change replaces glycine with glutamic acid at codon 311 of the NTHL1 protein (p.Gly311Glu). The glycine residue is weakly conserved and there is a moderate physicochemical difference between glycine and glutamic acid. This variant is not present in population databases (ExAC no frequency). This variant has not been reported in the literature in individuals with NTHL1-related conditions. Algorithms developed to predict the effect of missense changes on protein structure and function are either unavailable or do not agree on the potential impact of this missense change (SIFT: "Not Available"; PolyPhen-2: "Benign"; Align-GVGD: "Not Available"). In summary, the available evidence is currently insufficient to determine the role of this variant in disease. Therefore, it has been classified as a Variant of Uncertain Significance.